The following is an entry in ClinVar:

NM_001367624.2(ZNF469):c.11444C>T (p.Thr3815Met)

Gene: ZNF469 (zinc finger protein 469; plus strand). Cytogenetic location: 16q24.2.
Variant type: single nucleotide variant.
Coding change: c.11444C>T on transcript NM_001367624.2 (MANE Select); coding-DNA position 11444, C replaced by T.
Protein change: p.Thr3815Met; replaces threonine 3815 with methionine.
Molecular consequence: missense variant.
Genome position (GRCh38, 1-based): chr16:88,438,914, C>T. VCF-style: chr16-88438914-C-T. GRCh37 (hg19) VCF-style: chr16-88505322-C-T.
Other names: NM_001127464.1:c.11360C>T; NM_001127464.2:c.11360C>T; short protein forms T3815M.
Identifiers: ClinVar variation 373354 (VCV000373354.10), dbSNP rs1057518368, ClinGen allele CA16043034.

ClinVar aggregate classification (germline): Conflicting classifications of pathogenicity. Review status: criteria provided, conflicting classifications (1 of 4 stars). 5 submissions from 5 submitters: Uncertain significance (4); Likely benign (1). Last evaluated 2026-06-22.

Conditions:
ZNF469-related disorder. Also called: ZNF469-related condition.
Ehlers-Danlos syndrome (EDS). Identifiers: Orphanet 98249, MedGen C0013720, MONDO:0020066.
Cardiovascular phenotype. Identifiers: MedGen CN230736.

Allele frequency attached by ClinVar (database versions not stated): gnomAD 0.00003; gnomAD exomes 0.00003 and 0.00005; TOPMed 0.00004.
gnomAD v4.1: 68 of 1,550,384 alleles (0.0044%); highest among the groups gnomAD compares: East Asian, 0.049%; no homozygotes.

Submissions (5):

PreventionGenetics, part of Exact Sciences
Classification: Uncertain significance for ZNF469-related condition. Last evaluated: 2026-06-22. Review status: criteria provided, single submitter. Criteria: ACMG Guidelines, 2015. Collection method: clinical testing. Allele origin: germline.
Comment: The ZNF469 c.11360C>T variant is predicted to result in the amino acid substitution p.Thr3787Met. To our knowledge, this variant has not been reported in the literature. This variant is reported in 0.0080% of alleles in individuals of East Asian descent in gnomAD. At this time, the clinical significance of this variant is uncertain due to the absence of conclusive functional and genetic evidence.

Women's Health and Genetics/Laboratory Corporation of America, LabCorp
Classification: Uncertain significance. Last evaluated: 2026-03-18. Review status: criteria provided, single submitter. Criteria: LabCorp Variant Classification Summary - May 2015. Collection method: clinical testing. Allele origin: germline.
Comment: Variant summary: ZNF469 c.11444C>T (p.Thr3815Met) results in a non-conservative amino acid change in the encoded protein sequence. Algorithms developed to predict the effect of missense changes on protein structure and function are either unavailable or do not agree on the potential impact of this missense change. The variant allele was found at a frequency of 2.6e-05 in 153868 control chromosomes. The available data on variant occurrences in the general population are insufficient to allow any conclusion about variant significance. To our knowledge, no occurrence of c.11444C>T in individuals affected with ZNF469-related conditions and no experimental evidence demonstrating its impact on protein function have been reported. ClinVar contains an entry for this variant (Variation ID: 373354). Based on the evidence outlined above, the variant was classified as uncertain significance.

Ambry Genetics
Classification: Likely benign for Cardiovascular phenotype. Last evaluated: 2025-02-12. Review status: criteria provided, single submitter. Criteria: Ambry Variant Classification Scheme 2023. Collection method: clinical testing. Allele origin: germline.

Genome Diagnostics Laboratory, The Hospital for Sick Children
Classification: Uncertain significance for Ehlers-Danlos syndrome. Last evaluated: 2020-06-01. Review status: criteria provided, single submitter. Criteria: ACMG Guidelines, 2015. Collection method: clinical testing. Allele origin: germline.

GeneDx
Classification: Uncertain significance. Last evaluated: 2016-11-22. Review status: criteria provided, single submitter. Criteria: GeneDx Variant Classification (06012015). Collection method: clinical testing. Allele origin: germline. Affected: yes.
Comment: A variant of uncertain significance has been identified in the ZNF469 gene. The T3787M variant has not been published as a pathogenic variant, nor has it been reported as a benign variant to our knowledge. This variant was not observed in approximately 2,300 individuals of European and African American ancestry in the NHLBI Exome Sequencing Project, indicating it is not a common benign variant in these populations. The T3787M variant is a non-conservative amino acid substitution, which is likely to impact secondary protein structure as these residues differ in polarity, charge, size and/or other properties. However, this substitution occurs at a position that is not conserved across species, and in silico analysis predicts this variant likely does not alter the protein structure/function.Therefore, based on the currently available information, it is unclear whether this variant is pathogenic or benign.